The following is an entry in ClinVar:

ClinVar aggregate classification (germline): Uncertain significance. Review status: criteria provided, single submitter (1 of 4 stars). 2 submissions from 2 submitters: Uncertain significance (1). 1 of the submissions does not count toward it. Last evaluated 2024-05-14.

Conditions:
Primary dilated cardiomyopathy (DCM). Also called: Dilated Cardiomyopathy. Identifiers: Orphanet 217604, MedGen C0007193, MeSH D002311, MONDO:0005021, HP:0001644. Inheritance: Various modes of inheritance.
Cardiomyopathy (CMYO). Also called: Cardiomyopathies. Identifiers: Orphanet 167848, MedGen C0878544, MONDO:0004994, HP:0001638. Inheritance: Various modes of inheritance.

Submissions (2):

All of Us Research Program, National Institutes of Health
Classification: Uncertain significance for Cardiomyopathy. Last evaluated: 2024-05-14. Review status: criteria provided, single submitter. Criteria: ACMG Guidelines, 2015. Collection method: clinical testing. Allele origin: germline. Inheritance: Autosomal dominant inheritance. Observed: 1 variant allele, 1 heterozygote.
Comment: This missense variant replaces lysine with glutamic acid at codon 1451 of the MYH7 protein. Computational prediction tools indicate that this variant has a deleterious impact on protein structure and function. To our knowledge, functional studies have not been reported for this variant. This variant has been reported in one individual affected with dilated cardiomyopathy (PMID: 37904629). This variant has not been identified in the general population by the Genome Aggregation Database (gnomAD). The available evidence is insufficient to determine the role of this variant in disease conclusively. Therefore, this variant is classified as a Variant of Uncertain Significance.

This study involves interpretation of variants in research participants for the purpose of population health screening. Participant phenotype was not available at the time of variant classification. Additional details can be found in publication PMID: 35346344, PMCID: PMC8962531

Research Unit of Cardiovascular and Metabolic Disease, Inserm
Classification: Likely pathogenic for Dilated CardioMyopathy. Last evaluated: 2022-07-21. Review status: no assertion criteria provided. Collection method: research. Allele origin: germline. Affected: yes. Observed: 1 variant allele. Not counted in ClinVar's aggregate classification.

Literature cited by the submitters: PubMed 37904629 (cited by All of Us Research Program, National Institutes of Health).

NM_000257.4(MYH7):c.4351A>G (p.Lys1451Glu)

Genes: MHRT (myosin heavy chain associated RNA transcript; plus strand), MYH7 (myosin heavy chain 7; minus strand). Cytogenetic location: 14q11.2.
Variant type: single nucleotide variant.
Coding change: c.4351A>G on transcript NM_000257.4 (MANE Select); coding-DNA position 4351, A replaced by G.
Protein change: p.Lys1451Glu; replaces lysine 1451 with glutamic acid.
Molecular consequence: missense variant.
Genome position (GRCh38, 1-based): chr14:23,417,505, T>C on the plus strand (A>G on the coding strand, the complement: MYH7 is on the minus strand). VCF-style: chr14-23417505-T-C. GRCh37 (hg19) VCF-style: chr14-23886714-T-C.
Other names: NP_000248.2:p.(Lys1451Glu); c.4351A>G, p.Lys1451Glu (NM_001407004.1); short protein forms K1451E.
Identifiers: ClinVar variation 2505138 (VCV002505138.3), dbSNP rs2502251387, ClinGen allele CA389039986.